The following is an entry in ClinVar:

ClinVar aggregate classification (germline): Uncertain significance (1 of 4 stars; one submission).

Submission:

Labcorp Genetics (formerly Invitae), Labcorp
Classification: Uncertain significance. Last evaluated: 2022-03-20. Review status: criteria provided, single submitter. Criteria: Invitae Variant Classification Sherloc (09022015). Collection method: clinical testing. Allele origin: germline.
Comment: In summary, the available evidence is currently insufficient to determine the role of this variant in disease. Therefore, it has been classified as a Variant of Uncertain Significance. Algorithms developed to predict the effect of missense changes on protein structure and function (SIFT, PolyPhen-2, Align-GVGD) all suggest that this variant is likely to be tolerated. This variant has not been reported in the literature in individuals affected with OSTM1-related conditions. This variant is not present in population databases (gnomAD no frequency). This sequence change replaces glutamine, which is neutral and polar, with arginine, which is basic and polar, at codon 50 of the OSTM1 protein (p.Gln50Arg).

NM_014028.4(OSTM1):c.149A>G (p.Gln50Arg)

Gene: OSTM1 (osteoclastogenesis associated transmembrane protein 1; minus strand). Cytogenetic location: 6q21.
Variant type: single nucleotide variant.
Coding change: c.149A>G on transcript NM_014028.4 (MANE Select); coding-DNA position 149, A replaced by G.
Protein change: p.Gln50Arg; replaces glutamine 50 with arginine.
Molecular consequence: missense variant.
Genome position (GRCh38, 1-based): chr6:108,074,503, T>C on the plus strand (A>G on the coding strand, the complement: OSTM1 is on the minus strand). VCF-style: chr6-108074503-T-C. GRCh37 (hg19) VCF-style: chr6-108395707-T-C.
Other names: short protein forms Q50R.
Identifiers: ClinVar variation 2180558 (VCV002180558.4), dbSNP rs1200737228, ClinGen allele CA365331204.
Genomic context (GRCh38, chr6:108,074,503, plus strand): 5'-GGCCCCAGCCCTCCACCCTGCAGGAGGGACAGGGACAAGTCCTCCACCTCCAGCAACTGC[T>C]GCTCCGACAGGAGGTCGTGGAAGACCCTGTGCGGACTGCTGCCGAAGGGGAGCGCGCCCA-3'
Protein context (NP_054747.2, residues 40-60): HRVFHDLLSE[Gln50Arg]QLLEVEDLSL